The following is an entry in ClinVar:

ClinVar aggregate classification (germline): Pathogenic/Likely pathogenic. Review status: criteria provided, multiple submitters, no conflicts (2 of 4 stars). 2 submissions from 2 submitters: Pathogenic (1); Likely pathogenic (1). Last evaluated 2022-04-12.

Conditions:
ABCA4-related disorder. Also called: ABCA4-related condition; ABCA4-related disorders. Identifiers: MedGen CN239167.

Allele frequency attached by ClinVar (database versions not stated): TOPMed below 0.00001.

Submissions (2):

Labcorp Genetics (formerly Invitae), Labcorp
Classification: Pathogenic. Last evaluated: 2022-04-12. Review status: criteria provided, single submitter. Criteria: Invitae Variant Classification Sherloc (09022015). Collection method: clinical testing. Allele origin: germline.
Comment: For these reasons, this variant has been classified as Pathogenic. Algorithms developed to predict the effect of sequence changes on RNA splicing suggest that this variant may disrupt the consensus splice site. ClinVar contains an entry for this variant (Variation ID: 866062). This variant has not been reported in the literature in individuals affected with ABCA4-related conditions. This variant is present in population databases (no rsID available, gnomAD 0.01%). This sequence change creates a premature translational stop signal (p.Lys1437*) in the ABCA4 gene. It is expected to result in an absent or disrupted protein product. Loss-of-function variants in ABCA4 are known to be pathogenic (PMID: 10958761, 24938718, 25312043, 26780318).

Blueprint Genetics
Classification: Likely pathogenic for ABCA4-related disorders. Last evaluated: 2018-02-27. Review status: criteria provided, single submitter. Criteria: ACMG Guidelines, 2015. Collection method: clinical testing. Allele origin: germline. Affected: yes. Observed: 1 variant allele.

Literature cited by the submitters: PubMed 10958761 (cited by Labcorp Genetics (formerly Invitae), Labcorp); PubMed 24938718 (cited by Labcorp Genetics (formerly Invitae), Labcorp); PubMed 25312043 (cited by Labcorp Genetics (formerly Invitae), Labcorp); PubMed 26780318 (cited by Labcorp Genetics (formerly Invitae), Labcorp).

NM_000350.3(ABCA4):c.4309A>T (p.Lys1437Ter)

Gene: ABCA4 (ATP binding cassette subfamily A member 4; minus strand). Cytogenetic location: 1p22.1.
Variant type: single nucleotide variant.
Coding change: c.4309A>T on transcript NM_000350.3 (MANE Select); coding-DNA position 4309, A replaced by T.
Protein change: p.Lys1437Ter; replaces lysine 1437 with a stop codon.
Molecular consequence: nonsense.
Genome position (GRCh38, 1-based): chr1:94,030,471, T>A on the plus strand (A>T on the coding strand, the complement: ABCA4 is on the minus strand). VCF-style: chr1-94030471-T-A. GRCh37 (hg19) VCF-style: chr1-94496027-T-A.
Other names: c.4087A>T, p.Lys1363Ter (NM_001425324.1); short protein forms K1437*, K1363*.
Identifiers: ClinVar variation 866062 (VCV000866062.7), dbSNP rs1283350532, ClinGen allele CA341285769.
Genomic context (GRCh38, chr1:94,030,471, plus strand): 5'-GGCGCGTAGGCACTTACGGAAGCCACCCTTCCTTCAGGCAGCGGTTGCCAAAGCCTGGCT[T>A]ATTCAGGAGGACGTCTGCAAGTACCGTGAACTGCTCACTGCCTGGTTCATCCATGCTAGA-3'